The following is an entry in ClinVar:

NM_001184.4(ATR):c.6679A>G (p.Asn2227Asp)

Gene: ATR (ATR checkpoint kinase; minus strand). Cytogenetic location: 3q23.
Variant type: single nucleotide variant.
Coding change: c.6679A>G on transcript NM_001184.4 (MANE Select); coding-DNA position 6679, A replaced by G.
Protein change: p.Asn2227Asp; replaces asparagine 2227 with aspartic acid.
Molecular consequence: missense variant.
Genome position (GRCh38, 1-based): chr3:142,467,942, T>C on the plus strand (A>G on the coding strand, the complement: ATR is on the minus strand). VCF-style: chr3-142467942-T-C. GRCh37 (hg19) VCF-style: chr3-142186784-T-C.
Other names: c.6487A>G, p.Asn2163Asp (NM_001354579.2); short protein forms N2163D, N2227D.
Identifiers: ClinVar variation 1754826 (VCV001754826.2), dbSNP rs2473064563, ClinGen allele CA354803253.

ClinVar aggregate classification (germline): Uncertain significance (1 of 4 stars; one submission).

Conditions:
Inborn genetic diseases. Identifiers: MedGen C0950123, MeSH D030342.

Submission:

Ambry Genetics
Classification: Uncertain significance for Inborn genetic diseases. Last evaluated: 2021-09-13. Review status: criteria provided, single submitter. Criteria: Ambry Variant Classification Scheme 2023. Collection method: clinical testing. Allele origin: germline.
Comment: The p.N2227D variant (also known as c.6679A>G), located in coding exon 39 of the ATR gene, results from an A to G substitution at nucleotide position 6679. The asparagine at codon 2227 is replaced by aspartic acid, an amino acid with highly similar properties. This amino acid position is conserved. In addition, the in silico prediction for this alteration is inconclusive. Since supporting evidence is limited at this time, the clinical significance of this alteration remains unclear.